The following is an entry in ClinVar:

ClinVar aggregate classification (germline): Pathogenic. Review status: reviewed by expert panel (3 of 4 stars). 7 submissions from 7 submitters: Pathogenic (1). 6 of the submissions do not count toward it. Last evaluated 2016-09-08.

Conditions:
Hereditary cancer-predisposing syndrome. Also called: Tumor predisposition; Neoplastic Syndromes, Hereditary; Hereditary Cancer Syndrome; Hereditary neoplastic syndrome. Identifiers: Orphanet 140162, MedGen C0027672, MeSH D009386, MONDO:0015356.
Hereditary breast ovarian cancer syndrome. Also called: Hereditary breast and ovarian cancer syndrome (HBOC); Hereditary breast and ovarian cancer syndrome; Hereditary breast and ovarian cancer; Hereditary breast and/or ovarian cancer syndrome; Breast and ovarian cancer; BRCA1- and BRCA2-Associated Hereditary Breast and Ovarian Cancer. Identifiers: Orphanet 145, MedGen C0677776, MeSH D061325, MONDO:0003582. Disease mechanism: loss of function.
Breast-ovarian cancer, familial, susceptibility to, 1 (BROVCA1). Also called: OVARIAN CANCER, SUSCEPTIBILITY TO; BRCA1 Hereditary Breast and Ovarian Cancer. Identifiers: Orphanet 145, MedGen C2676676, MONDO:0011450, OMIM 604370. Disease mechanism: loss of function.
Familial cancer of breast. Also called: Hereditary breast cancer; hereditary breast carcinoma; BREAST CANCER, FAMILIAL. Identifiers: Orphanet 227535, MedGen C0346153, MONDO:0016419, OMIM 114480. Disease mechanism: loss of function.

Submissions (7):

Evidence-based Network for the Interpretation of Germline Mutant Alleles (ENIGMA)
Classification: Pathogenic for Breast-ovarian cancer, familial, susceptibility to, 1. Last evaluated: 2016-09-08. Review status: reviewed by expert panel. Criteria: ENIGMA BRCA1/2 Classification Criteria (2015). Collection method: curation. Allele origin: germline.
Comment: Variant allele predicted to encode a truncated non-functional protein.

Ambry Genetics
Classification: Pathogenic for Hereditary cancer-predisposing syndrome. Last evaluated: 2025-09-03. Review status: criteria provided, single submitter. Criteria: Ambry Variant Classification Scheme 2023. Collection method: clinical testing. Allele origin: germline. Not counted in ClinVar's aggregate classification.
Comment: The c.1165delA pathogenic mutation, located in coding exon 9 of the BRCA1 gene, results from a deletion of one nucleotide at nucleotide position 1165, causing a translational frameshift with a predicted alternate stop codon (p.S389Vfs*5). This variant is considered to be rare based on population cohorts in the Genome Aggregation Database (gnomAD). This alteration is expected to result in loss of function by premature protein truncation or nonsense-mediated mRNA decay. As such, this alteration is interpreted as a disease-causing mutation.

Institute of Medical Genetics and Applied Genomics, University Hospital Tübingen
Classification: Pathogenic for Familial cancer of breast. Last evaluated: 2024-05-23. Review status: criteria provided, single submitter. Criteria: ACMG Guidelines, 2015. Collection method: clinical testing. Allele origin: germline. Inheritance: Autosomal dominant inheritance. Affected: yes. Not counted in ClinVar's aggregate classification.

Labcorp Genetics (formerly Invitae), Labcorp
Classification: Pathogenic for Hereditary breast ovarian cancer syndrome. Last evaluated: 2020-05-03. Review status: criteria provided, single submitter. Criteria: Invitae Variant Classification Sherloc (09022015). Collection method: clinical testing. Allele origin: germline. Not counted in ClinVar's aggregate classification.
Comment: Loss-of-function variants in BRCA1 are known to be pathogenic (PMID: 20104584). For these reasons, this variant has been classified as Pathogenic. This variant has been reported in individuals in the Leiden Open-source Variation Database (PMID: 21520333) and Breast Cancer Information Core database (PMID: 10923033). ClinVar contains an entry for this variant (Variation ID: 54154). This variant is not present in population databases (ExAC no frequency). This sequence change creates a premature translational stop signal (p.Ser389Valfs*5) in the BRCA1 gene. It is expected to result in an absent or disrupted protein product.

Consortium of Investigators of Modifiers of BRCA1/2 (CIMBA), c/o University of Cambridge
Classification: Pathogenic for Breast-ovarian cancer, familial, susceptibility to, 1. Last evaluated: 2015-10-02. Review status: criteria provided, single submitter. Criteria: CIMBA Mutation Classification guidelines May 2016. Collection method: clinical testing. Allele origin: germline. Not counted in ClinVar's aggregate classification.

Research Molecular Genetics Laboratory, Women's College Hospital, University of Toronto
Classification: Pathogenic for Hereditary breast ovarian cancer syndrome. Last evaluated: 2014-01-31. Review status: no assertion criteria provided. Collection method: research. Allele origin: germline. Affected: yes. Study: The Canadian Open Genetics Repository (COGR). Not counted in ClinVar's aggregate classification.

Breast Cancer Information Core (BIC) (BRCA1)
Classification: Pathogenic for Breast-ovarian cancer, familial 1. Last evaluated: 2004-11-25. Review status: no assertion criteria provided. Collection method: clinical testing. Allele origin: germline. Affected: yes. Observed: 1 variant allele. Not counted in ClinVar's aggregate classification.

Literature cited by the submitters: PubMed 29446198 (cited by Ambry Genetics); PubMed 20104584 (cited by Labcorp Genetics (formerly Invitae), Labcorp); PubMed 21520333 (cited by Labcorp Genetics (formerly Invitae), Labcorp); PubMed 10923033 (cited by Labcorp Genetics (formerly Invitae), Labcorp).

NM_007294.4(BRCA1):c.1165del (p.Ser389fs)

Gene: BRCA1 (BRCA1 DNA repair associated; minus strand). Cytogenetic location: 17q21.31.
Variant type: Deletion.
Coding change: c.1165del on transcript NM_007294.4 (MANE Select); coding-DNA position 1165, one base deleted (A; older notation c.1165delA).
Protein change: p.Ser389fs; shifts the reading frame from serine 389.
Molecular consequence: frameshift variant. On other transcripts: intron variant (137).
Genome position (GRCh38, 1-based): chr17:43,094,366, T deleted on the plus strand (A on the coding strand, the reverse complement: BRCA1 is on the minus strand); the first of 2 consecutive T bases (chr17:43,094,366-43,094,367); deleting either gives the same sequence. VCF-style (leftmost placement, unchanged base first): chr17-43094365-CT-C. GRCh37 (hg19) VCF-style: chr17-41246382-CT-C.
Other names: 1284delA; c.1165delA (NM_007294.3); c.646+378del (NM_001408460.1, NM_001408454.1, NM_001408456.1 and 11 more transcripts); c.706+378del (NM_001408413.1, NM_001408416.1); c.586+378del (NM_001408476.1, NM_001408474.1); c.709+378del (NM_001408409.1, NM_001408414.1, NM_001408411.1 and 2 more transcripts); c.574+378del (NM_001408493.1, NM_001408490.1, NM_001408491.1); c.454+378del (NM_001408502.1); and 42 more; short protein forms S342fs, S389fs, S221fs, S277fs, S278fs, S319fs, S388fs, S261fs.
Identifiers: ClinVar variation 54154 (VCV000054154.17), dbSNP rs80357985, ClinGen allele CA000770.